The following is an entry in ClinVar:

NM_014319.5(LEMD3):c.164G>A (p.Arg55Gln)

Gene: LEMD3 (LEM domain containing 3; plus strand). Cytogenetic location: 12q14.3.
Variant type: single nucleotide variant.
Coding change: c.164G>A on transcript NM_014319.5 (MANE Select); coding-DNA position 164, G replaced by A.
Protein change: p.Arg55Gln; replaces arginine 55 with glutamine.
Molecular consequence: missense variant.
Genome position (GRCh38, 1-based): chr12:65,169,760, G>A. VCF-style: chr12-65169760-G-A. GRCh37 (hg19) VCF-style: chr12-65563540-G-A.
Other names: c.164G>A, p.Arg55Gln (NM_001167614.2); short protein forms R55Q.
Identifiers: ClinVar variation 4763201 (VCV004763201.1).

ClinVar aggregate classification (germline): Uncertain significance (1 of 4 stars; one submission).

gnomAD v4.1: 7 of 1,587,964 alleles (0.00044%); highest among the groups gnomAD compares: Admixed American, 0.0035%; no homozygotes.

Submission:

Labcorp Genetics (formerly Invitae), Labcorp
Classification: Uncertain significance. Last evaluated: 2025-11-23. Review status: criteria provided, single submitter. Criteria: Invitae Variant Classification Sherloc (09022015). Collection method: clinical testing. Allele origin: germline.
Comment: This sequence change replaces arginine, which is basic and polar, with glutamine, which is neutral and polar, at codon 55 of the LEMD3 protein (p.Arg55Gln). This variant is not present in population databases (gnomAD no frequency). This variant has not been reported in the literature in individuals affected with LEMD3-related conditions. An algorithm developed to predict the effect of missense changes on protein structure and function (PolyPhen-2) suggests that this variant is likely to be disruptive. In summary, the available evidence is currently insufficient to determine the role of this variant in disease. Therefore, it has been classified as a Variant of Uncertain Significance.